The following is an entry in ClinVar:

ClinVar aggregate classification (germline): Uncertain significance (1 of 4 stars; one submission).

Submission:

GeneDx
Classification: Uncertain significance. Last evaluated: 2026-02-11. Review status: criteria provided, single submitter. Criteria: GeneDx Variant Classification Process June 2021. Collection method: clinical testing. Allele origin: germline.
Comment: Not observed at significant frequency in large population cohorts (gnomAD); In silico analysis supports that this missense variant has a deleterious effect on protein structure/function; Has not been previously published as pathogenic or benign to our knowledge

NM_003590.5(CUL3):c.616G>A (p.Glu206Lys)

Gene: CUL3 (cullin 3; minus strand). Cytogenetic location: 2q36.2.
Variant type: single nucleotide variant.
Coding change: c.616G>A on transcript NM_003590.5 (MANE Select); coding-DNA position 616, G replaced by A.
Protein change: p.Glu206Lys; replaces glutamic acid 206 with lysine.
Molecular consequence: missense variant.
Genome position (GRCh38, 1-based): chr2:224,513,562, C>T on the plus strand (G>A on the coding strand, the complement: CUL3 is on the minus strand). VCF-style: chr2-224513562-C-T. GRCh37 (hg19) VCF-style: chr2-225378279-C-T.
Other names: c.418G>A, p.Glu140Lys (NM_001257197.2); c.634G>A, p.Glu212Lys (NM_001257198.2); short protein forms E140K, E206K, E212K.
Identifiers: ClinVar variation 4976402 (VCV004976402.1).